The following is an entry in ClinVar:

ClinVar aggregate classification (germline): Likely pathogenic (1 of 4 stars; one submission).

Allele frequency attached by ClinVar (database versions not stated): gnomAD exomes below 0.00001.
gnomAD v4.1: 1 of 1,613,624 alleles (0.000062%); highest among the groups gnomAD compares: Non-Finnish European, 0.000085%; no homozygotes.

Submission:

Mayo Clinic Laboratories, Mayo Clinic
Classification: Likely pathogenic. Last evaluated: 2020-01-26. Review status: criteria provided, single submitter. Criteria: ACMG Guidelines, 2015. Collection method: clinical testing. Allele origin: germline. Observed: 1 variant allele.
Comment: PVS1, PM2

NM_003126.4(SPTA1):c.2038G>A (p.Gly680Arg)

Gene: SPTA1 (spectrin alpha, erythrocytic 1; minus strand). Cytogenetic location: 1q23.1.
Variant type: single nucleotide variant.
Coding change: c.2038G>A on transcript NM_003126.4 (MANE Select); coding-DNA position 2038, G replaced by A.
Protein change: p.Gly680Arg; replaces glycine 680 with arginine.
Molecular consequence: missense variant.
Genome position (GRCh38, 1-based): chr1:158,667,858, C>T on the plus strand (G>A on the coding strand, the complement: SPTA1 is on the minus strand). VCF-style: chr1-158667858-C-T. GRCh37 (hg19) VCF-style: chr1-158637648-C-T.
Other names: short protein forms G680R.
Identifiers: ClinVar variation 1163661 (VCV001163661.5), dbSNP rs2101904247, ClinGen allele CA343005463.